The following is an entry in ClinVar:

ClinVar aggregate classification (germline): Uncertain significance (1 of 4 stars; one submission).

Conditions:
Auriculocondylar syndrome 1 (ARCND1). Identifiers: Orphanet 137888, MedGen C4551996, MONDO:0011234, OMIM 602483.

Submission:

3billion
Classification: Uncertain significance for Auriculocondylar syndrome 1. Last evaluated: 2026-01-28. Review status: criteria provided, single submitter. Criteria: ACMG Guidelines, 2015. Collection method: clinical testing. Allele origin: germline. Affected: yes.
Comment: The variant is not observed in the gnomAD v4.1.0 dataset. Predicted Consequence/Location: Missense variant In silico tool predictions suggest damaging effect of the variant on gene or gene product [REVEL: 0.92 (>=0.6, sensitivity 0.68 and specificity 0.92)]. Different missense changes at the same codon (p.Ser47Arg, p.Ser47Asn) have been reported as pathogenic/likely pathogenic with strong evidence (ClinVar ID: VCV000064691, VCV000450201 /PMID: 23315542, 34789173). Therefore, this variant is classified as VUS according to the recommendation of ACMG/AMP guideline.

Literature cited by the submitters: PubMed 23315542.

NM_006496.4(GNAI3):c.140G>T (p.Ser47Ile)

Gene: GNAI3 (G protein subunit alpha i3; plus strand). Cytogenetic location: 1p13.3.
Variant type: single nucleotide variant.
Coding change: c.140G>T on transcript NM_006496.4 (MANE Select); coding-DNA position 140, G replaced by T.
Protein change: p.Ser47Ile; replaces serine 47 with isoleucine.
Molecular consequence: missense variant.
Genome position (GRCh38, 1-based): chr1:109,573,758, G>T. VCF-style: chr1-109573758-G-T. GRCh37 (hg19) VCF-style: chr1-110116380-G-T.
Other names: short protein forms S47I.
Identifiers: ClinVar variation 4854515 (VCV004854515.1).
Genomic context (GRCh38, chr1:109,573,758, plus strand): 5'-TTACCGAGAAATTCAAAGTCTGGTTTTCTTTTCTTACAGGTGCTGGAGAATCTGGTAAAA[G>T]CACCATTGTGAAACAGATGAAGTAAGTTGGAATGTAGCGTTTTGTTAGACTAGGATTTCT-3'
Protein context (NP_006487.1, residues 37-57): LLLGAGESGK[Ser47Ile]TIVKQMKIIH